The following is an entry in ClinVar:

ClinVar aggregate classification (germline): Likely benign (1 of 4 stars; one submission).

Allele frequency attached by ClinVar (database versions not stated): 1000 Genomes Project 30x 0.00047; 1000 Genomes Project 0.00060; ESP Exome Variant Server 0.00069; TOPMed 0.00079; gnomAD 0.00140; ExAC 0.00378.
gnomAD v4.1: 1,967 of 1,582,730 alleles (0.12%); highest among the groups gnomAD compares: Non-Finnish European, 0.1%; 4 homozygotes.

Submission:

CeGaT Center for Human Genetics Tuebingen
Classification: Likely benign. Last evaluated: 2023-05-01. Review status: criteria provided, single submitter. Criteria: CeGaT Center For Human Genetics Tuebingen Variant Classification Criteria Version 2. Collection method: clinical testing. Allele origin: germline. Affected: yes. Observed: 1 variant allele.
Comment: KIF21B: BP4, BP7, BS1

NM_001252102.2(KIF21B):c.957C>T (p.His319=)

Gene: KIF21B (kinesin family member 21B; minus strand). Cytogenetic location: 1q32.1.
Variant type: single nucleotide variant.
Coding change: c.957C>T on transcript NM_001252102.2 (MANE Select); coding-DNA position 957, C replaced by T.
Protein change: p.His319=; no amino-acid change (histidine 319 retained).
Molecular consequence: synonymous variant.
Genome position (GRCh38, 1-based): chr1:201,004,399, G>A on the plus strand (C>T on the coding strand, the complement: KIF21B is on the minus strand). VCF-style: chr1-201004399-G-A. GRCh37 (hg19) VCF-style: chr1-200973527-G-A.
Other names: c.957C>T, p.His319= (NM_001252100.2, NM_001252103.2, NM_017596.4).
Identifiers: ClinVar variation 2639739 (VCV002639739.24), dbSNP rs146712800, ClinGen allele CA1321476.